The following is an entry in ClinVar:

NM_000168.6(GLI3):c.3611C>G (p.Pro1204Arg)

Gene: GLI3 (GLI family zinc finger 3; minus strand). Cytogenetic location: 7p14.1.
Variant type: single nucleotide variant.
Coding change: c.3611C>G on transcript NM_000168.6 (MANE Select); coding-DNA position 3611, C replaced by G.
Protein change: p.Pro1204Arg; replaces proline 1204 with arginine.
Molecular consequence: missense variant.
Genome position (GRCh38, 1-based): chr7:41,965,462, G>C on the plus strand (C>G on the coding strand, the complement: GLI3 is on the minus strand). VCF-style: chr7-41965462-G-C. GRCh37 (hg19) VCF-style: chr7-42005060-G-C.
Other names: c.3611C>G (NM_000168.5); short protein forms P1204R.
Identifiers: ClinVar variation 1040568 (VCV001040568.10), dbSNP rs543636524, ClinGen allele CA4230322.
Genomic context (GRCh38, chr7:41,965,462, plus strand): 5'-CCGTAGGGGTTGCTGTTCTCCCCGAGGGTCTGATAGCCCCCAGCAGGCCCGCTCCTCAAG[G>C]GGTTCTGCGGGTGGACGACCATGCCGTTGCAGAACCCAAAGGCGCGAGTCTGCGGCACAG-3'
Protein context (NP_000159.3, residues 1194-1214): CNGMVVHPQN[Pro1204Arg]LRSGPAGGYQ

ClinVar aggregate classification (germline): Conflicting classifications of pathogenicity. Review status: criteria provided, conflicting classifications (1 of 4 stars). 4 submissions from 4 submitters: Uncertain significance (1); Benign (1); Likely benign (2). Last evaluated 2026-06-18.

Conditions:
Greig cephalopolysyndactyly syndrome (GCPS). Also called: GLI3-Related Greig Cephalopolysyndactyly Syndrome; Greig syndrome; POLYSYNDACTYLY WITH PECULIAR SKULL SHAPE. Identifiers: Orphanet 380, MedGen C0265306, MONDO:0008287, OMIM 175700.
Polysyndactyly 4. Also called: Polysyndactyly uncomplicated; Preaxial polydactyly 4. Identifiers: Orphanet 93338, MedGen C1868111, MONDO:0008272, OMIM 174700.
Pallister-Hall syndrome (PHS). Also called: HYPOTHALAMIC HAMARTOBLASTOMA, HYPOPITUITARISM, IMPERFORATE ANUS, AND POSTAXIAL POLYDACTYLY; GLI3-Related Pallister-Hall Syndrome. Identifiers: Orphanet 672, MedGen C0265220, MONDO:0007804, OMIM 146510.
Polydactyly, postaxial, type A1. Identifiers: MedGen C4282400, MONDO:0008266, OMIM 174200.
GLI3-related disorder. Also called: GLI3-related disorders; GLI3-related condition. Identifiers: MedGen CN239292.
Inborn genetic diseases. Identifiers: MedGen C0950123, MeSH D030342.

Allele frequency attached by ClinVar (database versions not stated): gnomAD exomes 0.00004; ExAC 0.00006; TOPMed 0.00010; 1000 Genomes Project 30x 0.00016; 1000 Genomes Project 0.00020.
gnomAD v4.1: 56 of 1,608,758 alleles (0.0035%); highest among the groups gnomAD compares: African/African-American, 0.06%; no homozygotes.

Submissions (4):

PreventionGenetics, part of Exact Sciences
Classification: Likely benign for GLI3-related condition. Last evaluated: 2026-06-18. Review status: criteria provided, single submitter. Criteria: ACMG Guidelines, 2015. Collection method: clinical testing. Allele origin: germline.
Comment: This variant is classified as likely benign based on ACMG/AMP sequence variant interpretation guidelines (Richards et al. 2015 PMID: 25741868, with internal and published modifications).

Labcorp Genetics (formerly Invitae), Labcorp
Classification: Benign for Pallister-Hall syndrome; Greig cephalopolysyndactyly syndrome. Last evaluated: 2025-06-12. Review status: criteria provided, single submitter. Criteria: Invitae Variant Classification Sherloc (09022015). Collection method: clinical testing. Allele origin: germline.

Ambry Genetics
Classification: Likely benign for Inborn genetic diseases. Last evaluated: 2023-05-17. Review status: criteria provided, single submitter. Criteria: Ambry Variant Classification Scheme 2023. Collection method: clinical testing. Allele origin: germline.

Fulgent Genetics
Classification: Uncertain significance for Pallister-Hall syndrome; Polydactyly, postaxial, type A1; Polysyndactyly 4; Greig cephalopolysyndactyly syndrome. Last evaluated: 2021-11-02. Review status: criteria provided, single submitter. Criteria: ACMG Guidelines, 2015. Collection method: clinical testing. Allele origin: unknown.